The following is an entry in ClinVar:

ClinVar aggregate classification (germline): Uncertain significance (1 of 4 stars; one submission).

Conditions:
Familial thoracic aortic aneurysm and aortic dissection (TAAD). Also called: Thoracic aortic aneurysms and dissections. Identifiers: Orphanet 91387, MedGen C4707243, MONDO:0019625.

gnomAD v4.1: 9 of 1,612,294 alleles (0.00056%); highest among the groups gnomAD compares: Admixed American, 0.005%; no homozygotes.

Submission:

Ambry Genetics
Classification: Uncertain significance for Familial thoracic aortic aneurysm and aortic dissection. Last evaluated: 2025-12-26. Review status: criteria provided, single submitter. Criteria: Ambry Variant Classification Scheme 2023. Collection method: clinical testing. Allele origin: germline.
Comment: The p.H2541R variant (also known as c.7622A>G), located in coding exon 60 of the FBN2 gene, results from an A to G substitution at nucleotide position 7622. The histidine at codon 2541 is replaced by arginine, an amino acid with highly similar properties. This amino acid position is conserved. In addition, this alteration is predicted to be deleterious by in silico analysis. Based on the available evidence, the clinical significance of this variant remains unclear.

NM_001999.4(FBN2):c.7622A>G (p.His2541Arg)

Gene: FBN2 (fibrillin 2; minus strand). Cytogenetic location: 5q23.3.
Variant type: single nucleotide variant.
Coding change: c.7622A>G on transcript NM_001999.4 (MANE Select); coding-DNA position 7622, A replaced by G.
Protein change: p.His2541Arg; replaces histidine 2541 with arginine.
Molecular consequence: missense variant.
Genome position (GRCh38, 1-based): chr5:128,274,656, T>C on the plus strand (A>G on the coding strand, the complement: FBN2 is on the minus strand). VCF-style: chr5-128274656-T-C. GRCh37 (hg19) VCF-style: chr5-127610348-T-C.
Other names: short protein forms H2541R.
Identifiers: ClinVar variation 4841628 (VCV004841628.1).